The following is an entry in ClinVar:

ClinVar aggregate classification (germline): Uncertain significance. Review status: criteria provided, multiple submitters, no conflicts (2 of 4 stars). 2 submissions from 2 submitters: Uncertain significance (2). Last evaluated 2021-11-11.

Conditions:
Severe combined immunodeficiency due to DNA-PKcs deficiency. Also called: IMMUNODEFICIENCY 26 WITH NEUROLOGIC ABNORMALITIES; Immunodeficiency 26 with or without neurologic abnormalities. Identifiers: Orphanet 317425, MedGen C4014833, MONDO:0014423, OMIM 615966.

gnomAD v4.1: 15 of 1,591,970 alleles (0.00094%); highest among the groups gnomAD compares: Non-Finnish European, 0.0012%; no homozygotes.

Submissions (2):

Ambry Genetics
Classification: Uncertain significance. Last evaluated: 2021-11-11. Review status: criteria provided, single submitter. Criteria: Ambry Variant Classification Scheme 2023. Collection method: clinical testing. Allele origin: germline.
Comment: The p.F63L variant (also known as c.189C>A), located in coding exon 2 of the PRKDC gene, results from a C to A substitution at nucleotide position 189. The phenylalanine at codon 63 is replaced by leucine, an amino acid with highly similar properties. This amino acid position is conserved. In addition, this alteration is predicted to be tolerated by in silico analysis. Since supporting evidence is limited at this time, the clinical significance of this alteration remains unclear.

Labcorp Genetics (formerly Invitae), Labcorp
Classification: Uncertain significance for Severe combined immunodeficiency due to DNA-PKcs deficiency. Last evaluated: 2021-09-10. Review status: criteria provided, single submitter. Criteria: Invitae Variant Classification Sherloc (09022015). Collection method: clinical testing. Allele origin: germline.
Comment: In summary, the available evidence is currently insufficient to determine the role of this variant in disease. Therefore, it has been classified as a Variant of Uncertain Significance. Experimental studies and prediction algorithms are not available or were not evaluated, and the functional significance of this variant is currently unknown. This variant has not been reported in the literature in individuals affected with PRKDC-related conditions. This variant is not present in population databases (ExAC no frequency). This sequence change replaces phenylalanine with leucine at codon 63 of the PRKDC protein (p.Phe63Leu). The phenylalanine residue is moderately conserved and there is a small physicochemical difference between phenylalanine and leucine.

NM_006904.7(PRKDC):c.189C>A (p.Phe63Leu)

Gene: PRKDC (protein kinase, DNA-activated, catalytic subunit; minus strand). Cytogenetic location: 8q11.21.
Variant type: single nucleotide variant.
Coding change: c.189C>A on transcript NM_006904.7 (MANE Select); coding-DNA position 189, C replaced by A.
Protein change: p.Phe63Leu; replaces phenylalanine 63 with leucine.
Molecular consequence: missense variant.
Genome position (GRCh38, 1-based): chr8:47,957,397, G>T on the plus strand (C>A on the coding strand, the complement: PRKDC is on the minus strand). VCF-style: chr8-47957397-G-T. GRCh37 (hg19) VCF-style: chr8-48869957-G-T.
Other names: c.189C>A, p.Phe63Leu (NM_001081640.2); short protein forms F63L.
Identifiers: ClinVar variation 1414366 (VCV001414366.6), dbSNP rs372416216, ClinGen allele CA371141634.